The following is an entry in ClinVar:

NM_003846.3(PEX11B):c.568C>T (p.Leu190Phe)

Gene: PEX11B (peroxisomal biogenesis factor 11 beta; minus strand). Cytogenetic location: 1q21.1.
Variant type: single nucleotide variant.
Coding change: c.568C>T on transcript NM_003846.3 (MANE Select); coding-DNA position 568, C replaced by T.
Protein change: p.Leu190Phe; replaces leucine 190 with phenylalanine.
Molecular consequence: missense variant. On other transcripts: non-coding transcript variant (3).
Genome position (GRCh38, 1-based): chr1:145,912,373, G>A on the plus strand (C>T on the coding strand, the complement: PEX11B is on the minus strand). VCF-style: chr1-145912373-G-A. GRCh37 (hg19) VCF-style: chr1-145522707-C-T.
Other names: c.568C>T (NM_003846.2); c.526C>T, p.Leu176Phe (NM_001184795.1); short protein forms L190F, L176F.
Identifiers: ClinVar variation 1448563 (VCV001448563.9), dbSNP rs1657843921, ClinGen allele CA342121018.

ClinVar aggregate classification (germline): Uncertain significance. Review status: criteria provided, multiple submitters, no conflicts (2 of 4 stars). 2 submissions from 2 submitters: Uncertain significance (2). Last evaluated 2025-09-26.

Conditions:
Inborn genetic diseases. Identifiers: MedGen C0950123, MeSH D030342.

Allele frequency attached by ClinVar (database versions not stated): TOPMed below 0.00001; gnomAD 0.00001.
gnomAD v4.1: 2 of 1,612,568 alleles (0.00012%); highest among the groups gnomAD compares: Admixed American, 0.0033%; no homozygotes.

Submissions (2):

Ambry Genetics
Classification: Uncertain significance for Inborn genetic diseases. Last evaluated: 2025-09-26. Review status: criteria provided, single submitter. Criteria: Ambry Variant Classification Scheme 2023. Collection method: clinical testing. Allele origin: germline.

Labcorp Genetics (formerly Invitae), Labcorp
Classification: Uncertain significance. Last evaluated: 2022-07-19. Review status: criteria provided, single submitter. Criteria: Invitae Variant Classification Sherloc (09022015). Collection method: clinical testing. Allele origin: germline.
Comment: This variant has not been reported in the literature in individuals affected with PEX11B-related conditions. ClinVar contains an entry for this variant (Variation ID: 1448563). This sequence change replaces leucine, which is neutral and non-polar, with phenylalanine, which is neutral and non-polar, at codon 190 of the PEX11B protein (p.Leu190Phe). This variant is not present in population databases (gnomAD no frequency). Algorithms developed to predict the effect of missense changes on protein structure and function output the following: SIFT: "Tolerated"; PolyPhen-2: "Benign"; Align-GVGD: "Class C0". The phenylalanine amino acid residue is found in multiple mammalian species, which suggests that this missense change does not adversely affect protein function. In summary, the available evidence is currently insufficient to determine the role of this variant in disease. Therefore, it has been classified as a Variant of Uncertain Significance.